The following is an entry in ClinVar:

NM_000059.4(BRCA2):c.7751G>T (p.Gly2584Val)

Gene: BRCA2 (BRCA2 DNA repair associated; plus strand). Cytogenetic location: 13q13.1.
Variant type: single nucleotide variant.
Coding change: c.7751G>T on transcript NM_000059.4 (MANE Select); coding-DNA position 7751, G replaced by T.
Protein change: p.Gly2584Val; replaces glycine 2584 with valine.
Molecular consequence: missense variant. On other transcripts: non-coding transcript variant (1).
Genome position (GRCh38, 1-based): chr13:32,357,875, G>T. VCF-style: chr13-32357875-G-T. GRCh37 (hg19) VCF-style: chr13-32932012-G-T.
Other names: c.7655G>T, p.Gly2552Val (NM_001406719.1); c.7751G>T, p.Gly2584Val (NM_001406720.1, NM_001432077.1); c.2819G>T, p.Gly940Val (NM_001406721.1); c.1334G>T, p.Gly445Val (NM_001406722.1); short protein forms G2552V, G2584V, G445V, G940V.
Identifiers: ClinVar variation 4826880 (VCV004826880.1).

ClinVar aggregate classification (germline): Likely pathogenic (1 of 4 stars; one submission).

Conditions:
Hereditary cancer-predisposing syndrome. Also called: Neoplastic Syndromes, Hereditary; Tumor predisposition; Hereditary Cancer Syndrome; Hereditary neoplastic syndrome. Identifiers: Orphanet 140162, MedGen C0027672, MeSH D009386, MONDO:0015356.

Submission:

Ambry Genetics
Classification: Likely pathogenic for Hereditary cancer-predisposing syndrome. Last evaluated: 2026-03-02. Review status: criteria provided, single submitter. Criteria: Ambry Variant Classification Scheme 2023. Collection method: clinical testing. Allele origin: germline.
Comment: The p.G2584V variant (also known as c.7751G>T), located in coding exon 15 of the BRCA2 gene, results from a G to T substitution at nucleotide position 7751. The glycine at codon 2584 is replaced by valine, an amino acid with dissimilar properties. Two saturation genome editing-based studies, including a haploid cell-survival assay and a humanized mouse embryonic stem cell line assay of drug response and survival, demonstrate that this nucleotide substitution is non-functional(Huang H et al. Nature. 2025 Feb;638(8050):528-537; Sahu S et al. Nature. 2025 Feb;638(8050):538-545). This amino acid position is highly conserved in available vertebrate species. In addition, this alteration is predicted to be deleterious by in silico analysis. Based on the majority of available evidence to date, this variant is likely to be pathogenic..